The following is an entry in ClinVar:

ClinVar aggregate classification (germline): Uncertain significance (1 of 4 stars; one submission).

gnomAD v4.1: 1 of 1,614,020 alleles (0.000062%); highest among the groups gnomAD compares: African/African-American, 0.0013%; no homozygotes.

Submission:

Ambry Genetics
Classification: Uncertain significance. Last evaluated: 2025-03-27. Review status: criteria provided, single submitter. Criteria: Ambry Variant Classification Scheme 2023. Collection method: clinical testing. Allele origin: germline.
Comment: The p.S420A variant (also known as c.1258T>G), located in coding exon 1 of the TET2 gene, results from a T to G substitution at nucleotide position 1258. The serine at codon 420 is replaced by alanine, an amino acid with similar properties. This amino acid position is conserved. In addition, this alteration is predicted to be tolerated by in silico analysis. Based on the available evidence, the clinical significance of this variant remains unclear.

NM_001127208.3(TET2):c.1258T>G (p.Ser420Ala)

Genes: TET2 (tet methylcytosine dioxygenase 2; plus strand), TET2-AS1 (TET2 antisense RNA 1; minus strand). Cytogenetic location: 4q24.
Variant type: single nucleotide variant.
Coding change: c.1258T>G on transcript NM_001127208.3 (MANE Select); coding-DNA position 1258, T replaced by G.
Protein change: p.Ser420Ala; replaces serine 420 with alanine.
Molecular consequence: missense variant.
Genome position (GRCh38, 1-based): chr4:105,235,200, T>G. VCF-style: chr4-105235200-T-G. GRCh37 (hg19) VCF-style: chr4-106156357-T-G.
Other names: c.1258T>G, p.Ser420Ala (NM_017628.4); short protein forms S420A.
Identifiers: ClinVar variation 3967494 (VCV003967494.1).
Genomic context (GRCh38, chr4:105,235,200, plus strand): 5'-CCACCATCACAATTGCTTCTTTCTCCCCCTCCTCCTCTTCCACAGGTTCCTCAGCTTCCT[T>G]CAGAAGGAAAAAGCACTCTGAATGGTGGAGTTTTAGAAGAACACCACCACTACCCCAACC-3'
Protein context (NP_001120680.1, residues 410-430): PPLPQVPQLP[Ser420Ala]EGKSTLNGGV